The following is an entry in ClinVar:

ClinVar aggregate classification (germline): Uncertain significance (1 of 4 stars; one submission).

Conditions:
Tuberous sclerosis 2 (TSC2). Identifiers: Orphanet 805, MedGen C1860707, MONDO:0013199, OMIM 613254.

Submission:

Labcorp Genetics (formerly Invitae), Labcorp
Classification: Uncertain significance for Tuberous sclerosis 2. Last evaluated: 2025-02-12. Review status: criteria provided, single submitter. Criteria: Invitae Variant Classification Sherloc (09022015). Collection method: clinical testing. Allele origin: germline.
Comment: This sequence change replaces proline, which is neutral and non-polar, with threonine, which is neutral and polar, at codon 1176 of the TSC2 protein (p.Pro1176Thr). This variant is not present in population databases (gnomAD no frequency). This variant has not been reported in the literature in individuals affected with TSC2-related conditions. Invitae Evidence Modeling of protein sequence and biophysical properties (such as structural, functional, and spatial information, amino acid conservation, physicochemical variation, residue mobility, and thermodynamic stability) indicates that this missense variant is not expected to disrupt TSC2 protein function with a negative predictive value of 95%. In summary, the available evidence is currently insufficient to determine the role of this variant in disease. Therefore, it has been classified as a Variant of Uncertain Significance.

NM_000548.5(TSC2):c.3526C>A (p.Pro1176Thr)

Gene: TSC2 (TSC complex subunit 2; plus strand). Cytogenetic location: 16p13.3.
Variant type: single nucleotide variant.
Coding change: c.3526C>A on transcript NM_000548.5 (MANE Select); coding-DNA position 3526, C replaced by A.
Protein change: p.Pro1176Thr; replaces proline 1176 with threonine.
Molecular consequence: missense variant. On other transcripts: non-coding transcript variant (5).
Genome position (GRCh38, 1-based): chr16:2,080,293, C>A. VCF-style: chr16-2080293-C-A. GRCh37 (hg19) VCF-style: chr16-2130294-C-A.
Other names: c.3397C>A, p.Pro1133Thr (NM_001370405.1, NM_001363528.2, NM_021055.3); c.3523C>A, p.Pro1175Thr (NM_001406663.1, NM_001406664.1); c.3394C>A, p.Pro1132Thr (NM_001406665.1, NM_001077183.3, NM_001370404.1); c.3487C>A, p.Pro1163Thr (NM_001406667.1); c.3484C>A, p.Pro1162Thr (NM_001406668.1); c.3415C>A, p.Pro1139Thr (NM_001406670.1); c.3385C>A, p.Pro1129Thr (NM_001406671.1); c.3382C>A, p.Pro1128Thr (NM_001406673.1); and 18 more; short protein forms P1096T, P1132T, P1175T, P1176T, P1127T, P598T, P684T, P728T.
Identifiers: ClinVar variation 4768358 (VCV004768358.1).